The following is an entry in ClinVar:

NM_014314.4(RIGI):c.31G>A (p.Ala11Thr)

Genes: RIGI (RNA sensor RIG-I; minus strand), LOC130001628 (ATAC-STARR-seq lymphoblastoid active region 28262; plus strand). Cytogenetic location: 9p21.1.
Variant type: single nucleotide variant.
Coding change: c.31G>A on transcript NM_014314.4 (MANE Select); coding-DNA position 31, G replaced by A.
Protein change: p.Ala11Thr; replaces alanine 11 with threonine.
Molecular consequence: missense variant. On other transcripts: 5 prime UTR variant (3).
Genome position (GRCh38, 1-based): chr9:32,526,136, C>T on the plus strand (G>A on the coding strand, the complement: RIGI is on the minus strand). VCF-style: chr9-32526136-C-T. GRCh37 (hg19) VCF-style: chr9-32526134-C-T.
Other names: c.31G>A, p.Ala11Thr (NM_001385907.1, NM_001385909.1, NM_001385913.1); c.-424G>A (NM_001385910.1, NM_001385914.1); c.-431G>A (NM_001385912.1); short protein forms A11T.
Identifiers: ClinVar variation 4743225 (VCV004743225.1).

ClinVar aggregate classification (germline): Uncertain significance (1 of 4 stars; one submission).

Submission:

Labcorp Genetics (formerly Invitae), Labcorp
Classification: Uncertain significance. Last evaluated: 2025-11-19. Review status: criteria provided, single submitter. Criteria: Invitae Variant Classification Sherloc (09022015). Collection method: clinical testing. Allele origin: germline.
Comment: This sequence change replaces alanine, which is neutral and non-polar, with threonine, which is neutral and polar, at codon 11 of the DDX58 protein (p.Ala11Thr). This variant is not present in population databases (gnomAD no frequency). This variant has not been reported in the literature in individuals affected with DDX58-related conditions. An algorithm developed to predict the effect of missense changes on protein structure and function outputs the following: PolyPhen-2: "Benign". The threonine amino acid residue is found in multiple mammalian species, which suggests that this missense change does not adversely affect protein function. In summary, the available evidence is currently insufficient to determine the role of this variant in disease. Therefore, it has been classified as a Variant of Uncertain Significance.